The following is an entry in ClinVar:

NM_014625.4(NPHS2):c.447C>T (p.Gly149=)

Gene: NPHS2 (NPHS2 stomatin family member, podocin; minus strand). Cytogenetic location: 1q25.2.
Variant type: single nucleotide variant.
Coding change: c.447C>T on transcript NM_014625.4 (MANE Select); coding-DNA position 447, C replaced by T.
Protein change: p.Gly149=; no amino-acid change (glycine 149 retained).
Molecular consequence: synonymous variant.
Genome position (GRCh38, 1-based): chr1:179,561,293, G>A on the plus strand (C>T on the coding strand, the complement: NPHS2 is on the minus strand). VCF-style: chr1-179561293-G-A. GRCh37 (hg19) VCF-style: chr1-179530428-G-A.
Other names: c.447C>T, p.Gly149= (NM_001297575.2).
Identifiers: ClinVar variation 586185 (VCV000586185.40), dbSNP rs139111416, ClinGen allele CA1267224.
Genomic context (GRCh38, chr1:179,561,293, plus strand): 5'-GAAGAAATTGGCAAGTCAGGAGAGAGGTGTTTAGAAAAAAAAGAGTGTTTTTTTACCAGG[G>A]CCTTTGGCTCTTCCAGGAAGCAGATGTCCCAGTCGGAATATAATTACTCTTTCATACTCT-3'
Protein context (NP_055440.1, residues 139-159): LGHLLPGRAK[Gly149=]PGLFFFLPCL

ClinVar aggregate classification (germline): Conflicting classifications of pathogenicity. Review status: criteria provided, conflicting classifications (1 of 4 stars). 5 submissions from 5 submitters: Uncertain significance (1); Benign (2); Likely benign (2). Last evaluated 2026-01-21.

Conditions:
Nephrotic syndrome, type 2 (NPHS2). Also called: NEPHROTIC SYNDROME, STEROID-RESISTANT, AUTOSOMAL RECESSIVE. Identifiers: Orphanet 656, MedGen C1868672, MONDO:0010974, OMIM 600995.

Allele frequency attached by ClinVar (database versions not stated): 1000 Genomes Project 0.00020; 1000 Genomes Project 30x 0.00031; TOPMed 0.00231; gnomAD exomes 0.00251 and 0.00351; ExAC 0.00255; gnomAD 0.00276 and 0.00289; ESP Exome Variant Server 0.00292.
gnomAD v4.1: 5,456 of 1,611,830 alleles (0.34%); highest among the groups gnomAD compares: Non-Finnish European, 0.41%; 13 homozygotes.

Submissions (5):

Labcorp Genetics (formerly Invitae), Labcorp
Classification: Benign. Last evaluated: 2026-01-21. Review status: criteria provided, single submitter. Criteria: Invitae Variant Classification Sherloc (09022015). Collection method: clinical testing. Allele origin: germline.

Blueprint Genetics
Classification: Likely benign. Last evaluated: 2024-11-21. Review status: criteria provided, single submitter. Criteria: ACMG Guidelines, 2015. Collection method: clinical testing. Allele origin: germline.

CeGaT Center for Human Genetics Tuebingen
Classification: Likely benign. Last evaluated: 2024-07-01. Review status: criteria provided, single submitter. Criteria: CeGaT Center For Human Genetics Tuebingen Variant Classification Criteria Version 2. Collection method: clinical testing. Allele origin: germline. Affected: yes. Observed: 2 variant alleles.
Comment: NPHS2: BP4, BP7, BS2

Athena Diagnostics
Classification: Benign. Last evaluated: 2019-10-25. Review status: criteria provided, single submitter. Criteria: Athena Diagnostics Criteria. Collection method: clinical testing. Allele origin: unknown.

Illumina Laboratory Services, Illumina
Classification: Uncertain significance for Nephrotic syndrome, type 2. Last evaluated: 2018-01-13. Review status: criteria provided, single submitter. Criteria: ICSL Variant Classification Criteria 13 December 2019. Collection method: clinical testing. Allele origin: germline.